The following is an entry in ClinVar:

NM_000540.3(RYR1):c.13269G>A (p.Glu4423=)

Gene: RYR1 (ryanodine receptor 1; plus strand). Cytogenetic location: 19q13.2.
Variant type: single nucleotide variant.
Coding change: c.13269G>A on transcript NM_000540.3 (MANE Select); coding-DNA position 13269, G replaced by A.
Protein change: p.Glu4423=; no amino-acid change (glutamic acid 4423 retained).
Molecular consequence: synonymous variant.
Genome position (GRCh38, 1-based): chr19:38,565,603, G>A. VCF-style: chr19-38565603-G-A. GRCh37 (hg19) VCF-style: chr19-39056243-G-A.
Other names: c.13254G>A, p.Glu4418= (NM_001042723.2).
Identifiers: ClinVar variation 512798 (VCV000512798.15), dbSNP rs896569937, ClinGen allele CA308109617.
Genomic context (GRCh38, chr19:38,565,603, plus strand): 5'-AGACGGCGAGGGTGCCAGCGAGGGCGCTGGAGACGCCGCGGAGGGCGCTGGAGACGAGGA[G>A]GAGGCGGTGCACGAGGCCGGGCCGGGCGGTGCCGACGGGGCGGTGGCCGTGACCGATGGG-3'
Protein context (NP_000531.2, residues 4413-4433): GDAAEGAGDE[Glu4423=]EAVHEAGPGG

ClinVar aggregate classification (germline): Conflicting classifications of pathogenicity. Review status: criteria provided, conflicting classifications (1 of 4 stars). 4 submissions from 4 submitters: Uncertain significance (1); Likely benign (3). Last evaluated 2025-09-17.

Conditions:
RYR1-related disorder. Also called: RYR1-related condition; RYR1-related disorders. Identifiers: MedGen CN239331.

Allele frequency attached by ClinVar (database versions not stated): TOPMed 0.00002; gnomAD 0.00003 and 0.00004; gnomAD exomes 0.00003.
gnomAD v4.1: 46 of 1,451,734 alleles (0.0032%); highest among the groups gnomAD compares: Non-Finnish European, 0.0041%; no homozygotes.

Submissions (4):

Labcorp Genetics (formerly Invitae), Labcorp
Classification: Likely benign for RYR1-related disorder. Last evaluated: 2025-09-17. Review status: criteria provided, single submitter. Criteria: Invitae Variant Classification Sherloc (09022015). Collection method: clinical testing. Allele origin: germline.

Blueprint Genetics
Classification: Likely benign. Last evaluated: 2024-04-05. Review status: criteria provided, single submitter. Criteria: ACMG Guidelines, 2015. Collection method: clinical testing. Allele origin: germline.

Revvity Omics, Revvity
Classification: Uncertain significance. Last evaluated: 2019-06-24. Review status: criteria provided, single submitter. Criteria: ACMG Guidelines, 2015. Collection method: clinical testing. Allele origin: germline.

GeneDx
Classification: Likely benign. Last evaluated: 2017-10-19. Review status: criteria provided, single submitter. Criteria: GeneDx Variant Classification (06012015). Collection method: clinical testing. Allele origin: germline. Affected: yes.
Comment: This variant is considered likely benign or benign based on one or more of the following criteria: it is a conservative change, it occurs at a poorly conserved position in the protein, it is predicted to be benign by multiple in silico algorithms, and/or has population frequency not consistent with disease.